The following is an entry in ClinVar:

NM_002519.3(NPAT):c.3212C>G (p.Ala1071Gly)

Gene: NPAT (nuclear protein, coactivator of histone transcription; minus strand). Cytogenetic location: 11q22.3.
Variant type: single nucleotide variant.
Coding change: c.3212C>G on transcript NM_002519.3 (MANE Select); coding-DNA position 3212, C replaced by G.
Protein change: p.Ala1071Gly; replaces alanine 1071 with glycine.
Molecular consequence: missense variant.
Genome position (GRCh38, 1-based): chr11:108,161,874, G>C on the plus strand (C>G on the coding strand, the complement: NPAT is on the minus strand). VCF-style: chr11-108161874-G-C. GRCh37 (hg19) VCF-style: chr11-108032601-G-C.
Other names: c.3233C>G, p.Ala1078Gly (NM_001321307.1); short protein forms A1078G, A1071G.
Identifiers: ClinVar variation 1728956 (VCV001728956.2), dbSNP rs2496696937, ClinGen allele CA382511298.

ClinVar aggregate classification (germline): Uncertain significance (1 of 4 stars; one submission).

Submission:

Ambry Genetics
Classification: Uncertain significance. Last evaluated: 2022-06-21. Review status: criteria provided, single submitter. Criteria: Ambry Variant Classification Scheme 2023. Collection method: clinical testing. Allele origin: germline.
Comment: The p.A1071G variant (also known as c.3212C>G), located in coding exon 17 of the NPAT gene, results from a C to G substitution at nucleotide position 3212. The alanine at codon 1071 is replaced by glycine, an amino acid with similar properties. This amino acid position is conserved. In addition, this alteration is predicted to be tolerated by in silico analysis. Since supporting evidence is limited at this time, the clinical significance of this alteration remains unclear.